The following is an entry in ClinVar:

NM_019066.5(MAGEL2):c.1620G>A (p.Pro540=)

Gene: MAGEL2 (MAGE family member L2; minus strand). Cytogenetic location: 15q11.2.
Variant type: single nucleotide variant.
Coding change: c.1620G>A on transcript NM_019066.5 (MANE Select); coding-DNA position 1620, G replaced by A.
Protein change: p.Pro540=; no amino-acid change (proline 540 retained).
Molecular consequence: synonymous variant.
Genome position (GRCh38, 1-based): chr15:23,646,123, C>T on the plus strand (G>A on the coding strand, the complement: MAGEL2 is on the minus strand). VCF-style: chr15-23646123-C-T. GRCh37 (hg19) VCF-style: chr15-23891270-C-T.
Identifiers: ClinVar variation 1701247 (VCV001701247.36), dbSNP rs943342075, ClinGen allele CA267660238.

ClinVar aggregate classification (germline): Likely benign. Review status: criteria provided, multiple submitters, no conflicts (2 of 4 stars). 2 submissions from 2 submitters: Likely benign (2). Last evaluated 2025-08-06.

Allele frequency attached by ClinVar (database versions not stated): TOPMed 0.00007; gnomAD 0.00011.
gnomAD v4.1: 184 of 1,368,404 alleles (0.013%); highest among the groups gnomAD compares: Non-Finnish European, 0.016%; no homozygotes.

Submissions (2):

Labcorp Genetics (formerly Invitae), Labcorp
Classification: Likely benign. Last evaluated: 2025-08-06. Review status: criteria provided, single submitter. Criteria: Invitae Variant Classification Sherloc (09022015). Collection method: clinical testing. Allele origin: germline.

CeGaT Center for Human Genetics Tuebingen
Classification: Likely benign. Last evaluated: 2022-07-01. Review status: criteria provided, single submitter. Criteria: CeGaT Center For Human Genetics Tuebingen Variant Classification Criteria Version 2. Collection method: clinical testing. Allele origin: germline. Affected: yes. Observed: 1 variant allele.
Comment: MAGEL2: BP4, BP7